The following is an entry in ClinVar:

ClinVar aggregate classification (germline): Uncertain significance. Review status: criteria provided, multiple submitters, no conflicts (2 of 4 stars). 2 submissions from 2 submitters: Uncertain significance (2). Last evaluated 2024-04-15.

Conditions:
Cardiovascular phenotype. Identifiers: MedGen CN230736.

Allele frequency attached by ClinVar (database versions not stated): 1000 Genomes Project 0.00020; 1000 Genomes Project 30x 0.00031.
gnomAD v4.1: 19 of 1,550,448 alleles (0.0012%); highest among the groups gnomAD compares: South Asian, 0.017%; no homozygotes.

Submissions (2):

Ambry Genetics
Classification: Uncertain significance for Cardiovascular phenotype. Last evaluated: 2024-04-15. Review status: criteria provided, single submitter. Criteria: Ambry Variant Classification Scheme 2023. Collection method: clinical testing. Allele origin: germline.

Labcorp Genetics (formerly Invitae), Labcorp
Classification: Uncertain significance. Last evaluated: 2022-04-30. Review status: criteria provided, single submitter. Criteria: Invitae Variant Classification Sherloc (09022015). Collection method: clinical testing. Allele origin: germline.
Comment: This sequence change replaces proline, which is neutral and non-polar, with leucine, which is neutral and non-polar, at codon 3877 of the ZNF469 protein (p.Pro3877Leu). This variant is present in population databases (rs529322092, gnomAD 0.004%). This variant has not been reported in the literature in individuals affected with ZNF469-related conditions. Algorithms developed to predict the effect of missense changes on protein structure and function output the following: SIFT: "Tolerated"; PolyPhen-2: "Benign"; Align-GVGD: "Class C0". The leucine amino acid residue is found in multiple mammalian species, which suggests that this missense change does not adversely affect protein function. In summary, the available evidence is currently insufficient to determine the role of this variant in disease. Therefore, it has been classified as a Variant of Uncertain Significance.

NM_001367624.2(ZNF469):c.11714C>T (p.Pro3905Leu)

Gene: ZNF469 (zinc finger protein 469; plus strand). Cytogenetic location: 16q24.2.
Variant type: single nucleotide variant.
Coding change: c.11714C>T on transcript NM_001367624.2 (MANE Select); coding-DNA position 11714, C replaced by T.
Protein change: p.Pro3905Leu; replaces proline 3905 with leucine.
Molecular consequence: missense variant.
Genome position (GRCh38, 1-based): chr16:88,439,184, C>T. VCF-style: chr16-88439184-C-T. GRCh37 (hg19) VCF-style: chr16-88505592-C-T.
Other names: NM_001127464.1:c.11630C>T; short protein forms P3905L.
Identifiers: ClinVar variation 1737365 (VCV001737365.5), dbSNP rs529322092, ClinGen allele CA286388422.